The following is an entry in ClinVar:

ClinVar aggregate classification (germline): Uncertain significance. Review status: criteria provided, multiple submitters, no conflicts (2 of 4 stars). 2 submissions from 2 submitters: Uncertain significance (2). Last evaluated 2025-04-17.

Conditions:
Inborn genetic diseases. Identifiers: MedGen C0950123, MeSH D030342.

Allele frequency attached by ClinVar (database versions not stated): gnomAD 0.00001; gnomAD exomes 0.00003.
gnomAD v4.1: 17 of 1,557,046 alleles (0.0011%); highest among the groups gnomAD compares: Non-Finnish European, 0.0014%; no homozygotes.

Submissions (2):

Women's Health and Genetics/Laboratory Corporation of America, LabCorp
Classification: Uncertain significance. Last evaluated: 2025-04-17. Review status: criteria provided, single submitter. Criteria: LabCorp Variant Classification Summary - May 2015. Collection method: clinical testing. Allele origin: germline.
Comment: Variant summary: CCDC88C c.5728A>T (p.Thr1910Ser) results in a conservative amino acid change in the encoded protein sequence. Five of five in-silico tools predict a benign effect of the variant on protein function. The variant was absent in 157216 control chromosomes. The available data on variant occurrences in the general population are insufficient to allow any conclusion about variant significance. To our knowledge, no occurrence of c.5728A>T in individuals affected with CCDC88C-Related Disorders and no experimental evidence demonstrating its impact on protein function have been reported. ClinVar contains an entry for this variant (Variation ID: 2601229). Based on the evidence outlined above, the variant was classified as uncertain significance.

Ambry Genetics
Classification: Uncertain significance for Inborn genetic diseases. Last evaluated: 2023-08-04. Review status: criteria provided, single submitter. Criteria: Ambry Variant Classification Scheme 2023. Collection method: clinical testing. Allele origin: germline.

NM_001080414.4(CCDC88C):c.5728A>T (p.Thr1910Ser)

Gene: CCDC88C (coiled-coil domain containing 88C; minus strand). Cytogenetic location: 14q32.11.
Variant type: single nucleotide variant.
Coding change: c.5728A>T on transcript NM_001080414.4 (MANE Select); coding-DNA position 5728, A replaced by T.
Protein change: p.Thr1910Ser; replaces threonine 1910 with serine.
Molecular consequence: missense variant.
Genome position (GRCh38, 1-based): chr14:91,272,984, T>A on the plus strand (A>T on the coding strand, the complement: CCDC88C is on the minus strand). VCF-style: chr14-91272984-T-A. GRCh37 (hg19) VCF-style: chr14-91739328-T-A.
Other names: short protein forms T1910S.
Identifiers: ClinVar variation 2601229 (VCV002601229.4), dbSNP rs986968979, ClinGen allele CA390609053.
Genomic context (GRCh38, chr14:91,272,984, plus strand): 5'-AGAAGTGCAGGAGCTGGGAGTTGCTGCCACTGCCAGCAGCAGCAGCACCAGCACCTGCAG[T>A]GGCAATGGCGGGGGCTGTGGCAGACTGATGCAGGGGGGCCAGCCTCTCCTCCTTTGGGGG-3'
Protein context (NP_001073883.2, residues 1900-1920): HQSATAPAIA[Thr1910Ser]AGAGAAAAGS